The following is an entry in ClinVar:

ClinVar aggregate classification (germline): Uncertain significance (1 of 4 stars; one submission).

Conditions:
Hereditary cancer-predisposing syndrome. Also called: Neoplastic Syndromes, Hereditary; Tumor predisposition; Hereditary Cancer Syndrome; Hereditary neoplastic syndrome. Identifiers: Orphanet 140162, MedGen C0027672, MeSH D009386, MONDO:0015356.

Submission:

Ambry Genetics
Classification: Uncertain significance for Hereditary cancer-predisposing syndrome. Last evaluated: 2024-08-07. Review status: criteria provided, single submitter. Criteria: Ambry Variant Classification Scheme 2023. Collection method: clinical testing. Allele origin: germline.
Comment: The p.E340G variant (also known as c.1019A>G), located in coding exon 10 of the POLE gene, results from an A to G substitution at nucleotide position 1019. The glutamic acid at codon 340 is replaced by glycine, an amino acid with similar properties. This amino acid position is conserved. In addition, this alteration is predicted to be deleterious by in silico analysis. Based on the available evidence, the clinical significance of this variant remains unclear.

NM_006231.4(POLE):c.1019A>G (p.Glu340Gly)

Gene: POLE (DNA polymerase epsilon, catalytic subunit; minus strand). Cytogenetic location: 12q24.33.
Variant type: single nucleotide variant.
Coding change: c.1019A>G on transcript NM_006231.4 (MANE Select); coding-DNA position 1019, A replaced by G.
Protein change: p.Glu340Gly; replaces glutamic acid 340 with glycine.
Molecular consequence: missense variant.
Genome position (GRCh38, 1-based): chr12:132,676,095, T>C on the plus strand (A>G on the coding strand, the complement: POLE is on the minus strand). VCF-style: chr12-132676095-T-C. GRCh37 (hg19) VCF-style: chr12-133252681-T-C.
Other names: short protein forms E340G.
Identifiers: ClinVar variation 3422127 (VCV003422127.1).